The following is an entry in ClinVar:

ClinVar aggregate classification (germline): Uncertain significance (1 of 4 stars; one submission).

Allele frequency attached by ClinVar (database versions not stated): gnomAD exomes below 0.00001; TOPMed below 0.00001.
gnomAD v4.1: 6 of 1,613,774 alleles (0.00037%); highest among the groups gnomAD compares: Non-Finnish European, 0.00042%; no homozygotes.

Submission:

Labcorp Genetics (formerly Invitae), Labcorp
Classification: Uncertain significance. Last evaluated: 2021-10-27. Review status: criteria provided, single submitter. Criteria: Invitae Variant Classification Sherloc (09022015). Collection method: clinical testing. Allele origin: germline.
Comment: This sequence change replaces asparagine, which is neutral and polar, with isoleucine, which is neutral and non-polar, at codon 168 of the VPS13A protein (p.Asn168Ile). This variant is present in population databases (no rsID available, gnomAD 0.0009%). This variant has not been reported in the literature in individuals affected with VPS13A-related conditions. Algorithms developed to predict the effect of missense changes on protein structure and function are either unavailable or do not agree on the potential impact of this missense change (SIFT: "Tolerated"; PolyPhen-2: "Possibly Damaging"; Align-GVGD: "Class C0"). In summary, the available evidence is currently insufficient to determine the role of this variant in disease. Therefore, it has been classified as a Variant of Uncertain Significance.

NM_033305.3(VPS13A):c.503A>T (p.Asn168Ile)

Gene: VPS13A (vacuolar protein sorting 13 homolog A; plus strand). Cytogenetic location: 9q21.2.
Variant type: single nucleotide variant.
Coding change: c.503A>T on transcript NM_033305.3 (MANE Select); coding-DNA position 503, A replaced by T.
Protein change: p.Asn168Ile; replaces asparagine 168 with isoleucine.
Molecular consequence: missense variant.
Genome position (GRCh38, 1-based): chr9:77,210,623, A>T. VCF-style: chr9-77210623-A-T. GRCh37 (hg19) VCF-style: chr9-79825539-A-T.
Other names: c.503A>T, p.Asn168Ile (NM_001018037.2, NM_001018038.3, NM_015186.4); short protein forms N168I.
Identifiers: ClinVar variation 2187531 (VCV002187531.1), dbSNP rs1242893622, ClinGen allele CA373842390.